The following is an entry in ClinVar:

NM_133433.4(NIPBL):c.1614A>G (p.Ala538=)

Gene: NIPBL (NIPBL cohesin loading factor; plus strand). Cytogenetic location: 5p13.2.
Variant type: single nucleotide variant.
Coding change: c.1614A>G on transcript NM_133433.4 (MANE Select); coding-DNA position 1614, A replaced by G.
Protein change: p.Ala538=; no amino-acid change (alanine 538 retained).
Molecular consequence: synonymous variant.
Genome position (GRCh38, 1-based): chr5:36,984,794, A>G. VCF-style: chr5-36984794-A-G. GRCh37 (hg19) VCF-style: chr5-36984896-A-G.
Other names: c.1614A>G, p.Ala538= (NM_001438586.1, NM_015384.5).
Identifiers: ClinVar variation 4977620 (VCV004977620.1).
Genomic context (GRCh38, chr5:36,984,794, plus strand): 5'-AGGAGGTAATAGACCAGCTTCTCAGGAGACGGGTTCTACGGGAAATGGGTCAAGGCCAGC[A>G]TTAATGGTTAGCATTGATCTTCATCAGGCAGGAAGAGTGGACTCTCAGGCTTCTATAACT-3'
Protein context (NP_597677.2, residues 528-548): TGSTGNGSRP[Ala538=]LMVSIDLHQA

ClinVar aggregate classification (germline): Likely benign (1 of 4 stars; one submission).

Conditions:
NIPBL-related disorder. Also called: NIPBL-related condition.

gnomAD v4.1: 17 of 1,613,776 alleles (0.0011%); highest among the groups gnomAD compares: African/African-American, 0.0093%; no homozygotes.

Submission:

PreventionGenetics, part of Exact Sciences
Classification: Likely benign for NIPBL-related condition. Last evaluated: 2025-12-16. Review status: criteria provided, single submitter. Criteria: ACMG Guidelines, 2015. Collection method: clinical testing. Allele origin: germline.
Comment: This variant is classified as likely benign based on ACMG/AMP sequence variant interpretation guidelines (Richards et al. 2015 PMID: 25741868, with internal and published modifications).